The following is an entry in ClinVar:

ClinVar aggregate classification (germline): Likely pathogenic (1 of 4 stars; one submission).

Submission:

GeneDx
Classification: Likely pathogenic. Last evaluated: 2023-09-06. Review status: criteria provided, single submitter. Criteria: GeneDx Variant Classification Process June 2021. Collection method: clinical testing. Allele origin: germline. Affected: yes.
Comment: Not observed at significant frequency in large population cohorts (gnomAD); In silico analysis supports that this missense variant has a deleterious effect on protein structure/function; This variant is associated with the following publications: (PMID: 21524647, 16604056)

NM_001368894.2(PAX6):c.107G>C (p.Gly36Ala)

Gene: PAX6 (paired box 6; minus strand). Cytogenetic location: 11p13.
Variant type: single nucleotide variant.
Coding change: c.107G>C on transcript NM_001368894.2 (MANE Select); coding-DNA position 107, G replaced by C.
Protein change: p.Gly36Ala; replaces glycine 36 with alanine.
Molecular consequence: missense variant. On other transcripts: 5 prime UTR variant (12), non-coding transcript variant (2), intron variant (2).
Genome position (GRCh38, 1-based): chr11:31,802,738, C>G on the plus strand (G>C on the coding strand, the complement: PAX6 is on the minus strand). VCF-style: chr11-31802738-C-G. GRCh37 (hg19) VCF-style: chr11-31824286-C-G.
Other names: c.107G>C, p.Gly36Ala (NM_000280.6, NM_001127612.3, NM_001258462.3 and 30 more transcripts); c.-675G>C (NM_001310160.2, NM_001368905.2); c.-344G>C (NM_001310161.3, NM_001368900.2, NM_001368903.2 and 2 more transcripts); c.-302G>C (NM_001368899.2, NM_001368901.2, NM_001368906.2 and 1 more transcripts); c.-633G>C (NM_001368902.2); c.350G>C, p.Gly117Ala (NM_001368910.2); c.110G>C, p.Gly37Ala (NM_001368911.2); c.-267-962G>C (NM_001368909.2, NM_001368904.2); short protein forms G117A, G36A, G37A.
Identifiers: ClinVar variation 3340402 (VCV003340402.1).